The following is an entry in ClinVar:

ClinVar aggregate classification (germline): Uncertain significance (1 of 4 stars; one submission).

Conditions:
Congenital myasthenic syndrome 9. Also called: Myasthenic syndrome, congenital, 9, associated with acetylcholine receptor deficiency. Identifiers: Orphanet 590, MedGen C4225368, MONDO:0014587, OMIM 616325.
Fetal akinesia deformation sequence 1 (FADS1). Also called: Fetal akinesia sequence; Pena-Shokeir syndrome type I. Identifiers: Orphanet 994, MedGen C1276035, MONDO:0100101, OMIM 208150, HP:0001989.

Submission:

Labcorp Genetics (formerly Invitae), Labcorp
Classification: Uncertain significance for Congenital myasthenic syndrome 9; Fetal akinesia deformation sequence 1. Last evaluated: 2021-08-31. Review status: criteria provided, single submitter. Criteria: Invitae Variant Classification Sherloc (09022015). Collection method: clinical testing. Allele origin: germline.
Comment: This sequence change replaces proline with serine at codon 599 of the MUSK protein (p.Pro599Ser). The proline residue is highly conserved and there is a moderate physicochemical difference between proline and serine. This variant is not present in population databases (ExAC no frequency). This variant has not been reported in the literature in individuals affected with MUSK-related conditions. Algorithms developed to predict the effect of missense changes on protein structure and function are either unavailable or do not agree on the potential impact of this missense change (SIFT: "Deleterious"; PolyPhen-2: "Benign"; Align-GVGD: "Class C65"). In summary, the available evidence is currently insufficient to determine the role of this variant in disease. Therefore, it has been classified as a Variant of Uncertain Significance.

NM_005592.4(MUSK):c.1795C>T (p.Pro599Ser)

Gene: MUSK (muscle associated receptor tyrosine kinase; plus strand). Cytogenetic location: 9q31.3.
Variant type: single nucleotide variant.
Coding change: c.1795C>T on transcript NM_005592.4 (MANE Select); coding-DNA position 1795, C replaced by T.
Protein change: p.Pro599Ser; replaces proline 599 with serine.
Molecular consequence: missense variant.
Genome position (GRCh38, 1-based): chr9:110,787,706, C>T. VCF-style: chr9-110787706-C-T. GRCh37 (hg19) VCF-style: chr9-113549986-C-T.
Other names: c.1537C>T, p.Pro513Ser (NM_001166280.2); c.1507C>T, p.Pro503Ser (NM_001166281.2); c.535C>T, p.Pro179Ser (NM_001369398.1); short protein forms P599S, P179S, P503S, P513S.
Identifiers: ClinVar variation 948890 (VCV000948890.7), dbSNP rs2077898173, ClinGen allele CA374476343.